The following is an entry in ClinVar:

NM_004320.6(ATP2A1):c.2692A>T (p.Thr898Ser)

Gene: ATP2A1 (ATPase sarcoplasmic/endoplasmic reticulum Ca2+ transporting 1; plus strand). Cytogenetic location: 16p11.2.
Variant type: single nucleotide variant.
Coding change: c.2692A>T on transcript NM_004320.6 (MANE Select); coding-DNA position 2692, A replaced by T.
Protein change: p.Thr898Ser; replaces threonine 898 with serine.
Molecular consequence: missense variant.
Genome position (GRCh38, 1-based): chr16:28,902,859, A>T. VCF-style: chr16-28902859-A-T. GRCh37 (hg19) VCF-style: chr16-28914180-A-T.
Other names: c.2317A>T, p.Thr773Ser (NM_001286075.2); c.2692A>T, p.Thr898Ser (NM_173201.5); short protein forms T898S, T773S.
Identifiers: ClinVar variation 1924308 (VCV001924308.4), dbSNP rs1262558223, ClinGen allele CA395415276.

ClinVar aggregate classification (germline): Uncertain significance (1 of 4 stars; one submission).

Conditions:
Brody myopathy. Also called: BRODY DISEASE. Identifiers: Orphanet 53347, MedGen C1832918, MONDO:0010977, OMIM 601003.

Allele frequency attached by ClinVar (database versions not stated): gnomAD exomes below 0.00001; gnomAD 0.00001; TOPMed 0.00002.
gnomAD v4.1: 2 of 1,613,804 alleles (0.00012%); highest among the groups gnomAD compares: Admixed American, 0.0017%; no homozygotes.

Submission:

Labcorp Genetics (formerly Invitae), Labcorp
Classification: Uncertain significance for Brody myopathy. Last evaluated: 2022-04-18. Review status: criteria provided, single submitter. Criteria: Invitae Variant Classification Sherloc (09022015). Collection method: clinical testing. Allele origin: germline.
Comment: In summary, the available evidence is currently insufficient to determine the role of this variant in disease. Therefore, it has been classified as a Variant of Uncertain Significance. Algorithms developed to predict the effect of missense changes on protein structure and function are either unavailable or do not agree on the potential impact of this missense change (SIFT: "Tolerated"; PolyPhen-2: "Probably Damaging"; Align-GVGD: "Class C0"). This variant has not been reported in the literature in individuals affected with ATP2A1-related conditions. This variant is present in population databases (no rsID available, gnomAD no frequency). This sequence change replaces threonine, which is neutral and polar, with serine, which is neutral and polar, at codon 898 of the ATP2A1 protein (p.Thr898Ser).